The following is an entry in ClinVar:

ClinVar aggregate classification (germline): Likely pathogenic. Review status: reviewed by expert panel (3 of 4 stars). 2 submissions from 2 submitters: Likely pathogenic (1). 1 of the submissions does not count toward it. Last evaluated 2025-05-20.

Conditions:
RPGR-related retinopathy. Also called: RPGR retinopathy. Identifiers: MedGen CN305589, MONDO:0100437.
Retinal dystrophy. Also called: Inherited retinal dystrophy. Identifiers: Orphanet 71862, MedGen C0854723, MeSH D058499, MONDO:0019118, HP:0000556.

Submissions (2):

ClinGen X-linked Inherited Retinal Disease Variant Curation Expert Panel, ClinGen
Classification: Likely pathogenic for RPGR-related retinopathy. Last evaluated: 2025-05-20. Review status: reviewed by expert panel. Criteria: ClinGen X LinkedIRD ACMG Specifications RPGR V1.0.0. Collection method: curation. Allele origin: germline. Inheritance: X-linked inheritance.
Comment: NM_001034853.2(RPGR):c.1572+1del occurs at a canonical splice site in intron 13 and is predicted to disrupt splicing and induce exon skipping, which is expected to introduce a premature stop codon or disrupt a critical functional domain in RPGR (PVS1). This variant is absent from hemizygous individuals in gnomAD v4.1.0 (PM2_Supporting). This variant has been reported in at least 1 proband (PMID: 27208204). However, the number of individuals meeting the PS4 requirement of some functional vision impairment in affected males by age 30, or decreased/absent cone and/or rod ERG responses was fewer than the requirement of at least 2 unrelated probands, so PS4_Supporting was not met. In summary, this variant meets the criteria to be classified as likely pathogenic for RPGR-related retinopathy based on the ClinGen X-linked Inherited Retinal Disease Expert Panel Specifications to the ACMG/AMP Variant Interpretation Guidelines for RPGR Version 1.0.0; PM2_supporting, PVS1. (date of approval 05/16/2025).

Centre for Genomic Medicine, Manchester, Central Manchester University Hospitals
Classification: Uncertain significance for Retinal dystrophy. Review status: no assertion criteria provided. Collection method: clinical testing. Allele origin: germline. Affected: yes. Not counted in ClinVar's aggregate classification.

NM_001034853.2(RPGR):c.1572+1del

Gene: RPGR (retinitis pigmentosa GTPase regulator; minus strand). Cytogenetic location: Xp11.4.
Variant type: Deletion.
Coding change: c.1572+1del on transcript NM_001034853.2 (MANE Select); the canonical splice donor site of the intron after coding-DNA position 1572, one base deleted (G; older notation c.1572+1delG).
Molecular consequence: splice donor variant.
Genome position (GRCh38, 1-based): chrX:38,290,958, C deleted on the plus strand (G on the coding strand, the reverse complement: RPGR is on the minus strand); the first of 2 consecutive C bases (chrX:38,290,958-38,290,959); deleting either gives the same sequence. VCF-style (leftmost placement, unchanged base first): chrX-38290957-AC-A. GRCh37 (hg19) VCF-style: chrX-38150210-AC-A.
Other names: c.1572+1delG (NM_001034853.1); c.1569+1del (NM_001367249.1, NM_001367250.1, NM_001367245.1); c.1386+1del (NM_001367251.1, NM_001367246.1); c.1572+1del (NM_001367247.1, NM_000328.3); c.1602+1del (NM_001367248.1).
Identifiers: ClinVar variation 236481 (VCV000236481.1), dbSNP rs878853373, ClinGen allele CA10581714.